The following is an entry in ClinVar:

NC_000012.12:g.31113353_31253973dup

Gene: LOC132090103 (Neanderthal introgressed variant-containing enhancer experimental_28233; plus strand). Cytogenetic location: 12p11.21.
Variant type: Duplication.
Identifiers: ClinVar variation 157251 (VCV000157251.3).

ClinVar aggregate classification (germline): not provided (0 of 4 stars; one submission).

Conditions:
Small for gestational age. Also called: Low birth weight. Identifiers: MedGen C0235991, HP:0001518.

Submission:

Institute of Molecular and Cell Biology, University of Tartu
No classification provided. Condition: Small for gestational age. Review status: no classification provided. Collection method: case-control. Allele origin: unknown. Affected: yes. Study: Kasak2014.
Comment: The study aimed to determine the contribution of copy number variants in the genetic etiology of normal and complicated pregnancies. The samples represented (i) maternal blood DNA drawn from healthy pregnant women during 1st or 2nd trimester and (ii) maternal and paternal blood DNA drawn at term pregnancy cases representing normal and complicated gestations (severe preeclampsia, PE; gestational diabetes, GD; small-for-gestational age newborn, SGA; large-for-gestational age newborn, LGA). We performed CNV calling based on genome-wide genotyping dataset (Illumina HumanOmniExpress-24-v1 BeadChip) by applying three algorithms, QuantiSNP, GADA (Genome Alteration Detection Algorithm) and CNstream in parallel. The acquired CNV calls were merged with HD-CNV (Hotspot Detector for Copy Number Variants) program and only the CNVs predicted by at least two programs, were considered in subsequent analysis.

Literature cited by the submitters: PubMed 25666259.